The following is an entry in ClinVar:

ClinVar aggregate classification (germline): Uncertain significance (1 of 4 stars; one submission).

Conditions:
Spinocerebellar ataxia type 5 (SCA5). Identifiers: Orphanet 98766, MedGen C0752123, MONDO:0010848, OMIM 600224.

gnomAD v4.1: 2 of 1,613,988 alleles (0.00012%); highest among the groups gnomAD compares: Non-Finnish European, 0.00017%; no homozygotes.

Submission:

Neuberg Centre For Genomic Medicine, NCGM
Classification: Uncertain significance for Spinocerebellar ataxia type 5. Review status: criteria provided, single submitter. Criteria: ACMG Guidelines, 2015. Collection method: clinical testing. Allele origin: germline. Inheritance: Autosomal dominant inheritance. Affected: yes.
Comment: The amino acid Ala at position 191 is changed to a Ser changing protein sequence and it might alter its composition and physico-chemical properties. This variant has not been reported previously in affected individuals.The p.Ala191Ser variant is novel (not in any individuals) in gnomAD Exomes and 1000 GenomesThe variant is predicted to be damaging by both SIFT and PolyPhen2. The residue is conserved across species. The amino acid change p.Ala191Ser in SPTBN2 is predicted as conserved by GERP++ and PhyloP across 100 vertebrates. The variant is present in the CH2 domain where previously disease causing missense variants have been reported.This variant is classified as uncertain significance as per ACMG guidelines.

NM_006946.4(SPTBN2):c.571G>T (p.Ala191Ser)

Gene: SPTBN2 (spectrin beta, non-erythrocytic 2; minus strand). Cytogenetic location: 11q13.2.
Variant type: single nucleotide variant.
Coding change: c.571G>T on transcript NM_006946.4 (MANE Select); coding-DNA position 571, G replaced by T.
Protein change: p.Ala191Ser; replaces alanine 191 with serine.
Molecular consequence: missense variant.
Genome position (GRCh38, 1-based): chr11:66,714,320, C>A on the plus strand (G>T on the coding strand, the complement: SPTBN2 is on the minus strand). VCF-style: chr11-66714320-C-A. GRCh37 (hg19) VCF-style: chr11-66481791-C-A.
Other names: c.592G>T, p.Ala198Ser (NM_001411025.1); short protein forms A191S, A198S.
Identifiers: ClinVar variation 2585177 (VCV002585177.1), dbSNP rs2496527683, ClinGen allele CA381483325.
Genomic context (GRCh38, chr11:66,714,320, plus strand): 5'-CAGCACAGCCTGGGGGTCACTGACCCTCCAGTGCCACACGCCCAGGGTGTCCTCACCCTG[C>A]AGTCTTCATCTGGCACCACAGAAGCAGGGCATCCTTGGCTGACTTCTTCTCCTTGTTGTC-3'
Protein context (NP_008877.2, residues 181-201): ALLLWCQMKT[Ala191Ser]GYPNVNVHNF